The following is an entry in ClinVar:

ClinVar aggregate classification (germline): Uncertain significance (1 of 4 stars; one submission).

Allele frequency attached by ClinVar (database versions not stated): TOPMed below 0.00001; gnomAD 0.00001; gnomAD exomes 0.00001.
gnomAD v4.1: 7 of 1,613,670 alleles (0.00043%); highest among the groups gnomAD compares: Admixed American, 0.0083%; no homozygotes.

Submission:

Labcorp Genetics (formerly Invitae), Labcorp
Classification: Uncertain significance. Last evaluated: 2023-11-06. Review status: criteria provided, single submitter. Criteria: Invitae Variant Classification Sherloc (09022015). Collection method: clinical testing. Allele origin: germline.
Comment: This sequence change replaces proline, which is neutral and non-polar, with alanine, which is neutral and non-polar, at codon 469 of the LRP2 protein (p.Pro469Ala). This variant is present in population databases (no rsID available, gnomAD 0.01%). This variant has not been reported in the literature in individuals affected with LRP2-related conditions. ClinVar contains an entry for this variant (Variation ID: 1968957). Advanced modeling of protein sequence and biophysical properties (such as structural, functional, and spatial information, amino acid conservation, physicochemical variation, residue mobility, and thermodynamic stability) performed at Invitae indicates that this missense variant is expected to disrupt LRP2 protein function with a positive predictive value of 80%. In summary, the available evidence is currently insufficient to determine the role of this variant in disease. Therefore, it has been classified as a Variant of Uncertain Significance.

NM_004525.3(LRP2):c.1405C>G (p.Pro469Ala)

Gene: LRP2 (LDL receptor related protein 2; minus strand). Cytogenetic location: 2q31.1.
Variant type: single nucleotide variant.
Coding change: c.1405C>G on transcript NM_004525.3 (MANE Select); coding-DNA position 1405, C replaced by G.
Protein change: p.Pro469Ala; replaces proline 469 with alanine.
Molecular consequence: missense variant.
Genome position (GRCh38, 1-based): chr2:169,279,532, G>C on the plus strand (C>G on the coding strand, the complement: LRP2 is on the minus strand). VCF-style: chr2-169279532-G-C. GRCh37 (hg19) VCF-style: chr2-170136042-G-C.
Other names: short protein forms P469A.
Identifiers: ClinVar variation 1968957 (VCV001968957.3), dbSNP rs1324208034, ClinGen allele CA349149028.
Genomic context (GRCh38, chr2:169,279,532, plus strand): 5'-TGACCTTGGTTTCCACTAGATAGATTTTATTATTAACCCAGTCCACAGCCAGGTTCTCTG[G>C]GGTTTCAACAGAAACATTGAGAACCTCTTGGATATTTAAACCATTAATGTCAACTGAAAA-3'
Protein context (NP_004516.2, residues 459-479): QEVLNVSVET[Pro469Ala]ENLAVDWVNN